The following is an entry in ClinVar:

ClinVar aggregate classification (germline): Likely pathogenic. Review status: criteria provided, single submitter (1 of 4 stars). 2 submissions from 2 submitters: Likely pathogenic (1). 1 of the submissions does not count toward it. Last evaluated 2022-06-24.

Conditions:
Peroxisome biogenesis disorder 4A (Zellweger) (PBD4A). Also called: Zellweger syndrome spectrum (PEX6-related). Identifiers: Orphanet 912, MedGen C3553936, MONDO:0013930, OMIM 614862. Disease mechanism: loss of function.
Peroxisome biogenesis disorder 4B (PBD4B). Also called: SPINOCEREBELLAR ATAXIA WITH BLINDNESS AND DEAFNESS 1. Identifiers: Orphanet 44, Orphanet 95433, MedGen C3553937, MONDO:0013931, OMIM 614863.
Peroxisome biogenesis disorder. Identifiers: Orphanet 79189, MedGen C1832200, MONDO:0019234. Disease mechanism: loss of function.

Submissions (2):

Labcorp Genetics (formerly Invitae), Labcorp
Classification: Likely pathogenic for Peroxisome biogenesis disorder. Last evaluated: 2022-06-24. Review status: criteria provided, single submitter. Criteria: Invitae Variant Classification Sherloc (09022015). Collection method: clinical testing. Allele origin: germline.
Comment: In summary, the currently available evidence indicates that the variant is pathogenic, but additional data are needed to prove that conclusively. Therefore, this variant has been classified as Likely Pathogenic. This sequence change affects an acceptor splice site in intron 13 of the PEX6 gene. It is expected to disrupt RNA splicing. Variants that disrupt the donor or acceptor splice site typically lead to a loss of protein function (PMID: 16199547), and loss-of-function variants in PEX6 are known to be pathogenic (PMID: 8670792, 19877282, 21031596). This variant is not present in population databases (gnomAD no frequency). This variant has not been reported in the literature in individuals affected with PEX6-related conditions. ClinVar contains an entry for this variant (Variation ID: 551909). Algorithms developed to predict the effect of sequence changes on RNA splicing suggest that this variant may disrupt the consensus splice site.

Counsyl
Classification: Likely pathogenic for Peroxisome biogenesis disorder 4A (Zellweger); Peroxisome biogenesis disorder 4B. Last evaluated: 2017-05-17. Review status: no assertion criteria provided. Collection method: clinical testing. Allele origin: unknown. Not counted in ClinVar's aggregate classification.

Literature cited by the submitters: PubMed 16199547 (cited by Labcorp Genetics (formerly Invitae), Labcorp); PubMed 8670792 (cited by Labcorp Genetics (formerly Invitae), Labcorp); PubMed 19877282 (cited by Labcorp Genetics (formerly Invitae), Labcorp); PubMed 21031596 (cited by Labcorp Genetics (formerly Invitae), Labcorp).

NM_000287.4(PEX6):c.2472-2A>G

Gene: PEX6 (peroxisomal biogenesis factor 6; minus strand). Cytogenetic location: 6p21.1.
Variant type: single nucleotide variant.
Coding change: c.2472-2A>G on transcript NM_000287.4 (MANE Select); the canonical splice acceptor site of the intron before coding-DNA position 2472, A replaced by G.
Molecular consequence: splice acceptor variant.
Genome position (GRCh38, 1-based): chr6:42,965,370, T>C on the plus strand (A>G on the coding strand, the complement: PEX6 is on the minus strand). VCF-style: chr6-42965370-T-C. GRCh37 (hg19) VCF-style: chr6-42933108-T-C.
Other names: c.2208-2A>G (NM_001316313.2).
Identifiers: ClinVar variation 551909 (VCV000551909.7), dbSNP rs267608242, ClinGen allele CA138222171.
Genomic context (GRCh38, chr6:42,965,370, plus strand): 5'-CAAACACATCCTGAGTGCTGTGCAGCCCATCTAGCTCGGCAAGGAGCTGAGACACCACCC[T>C]GGAGAGAAGGGAGCAAGGGCAAGAGTCCTTGGTGTCCCCCTTAGACTCTGCCCCTGCCTG-3'